The following is an entry in ClinVar:

ClinVar aggregate classification (germline): Uncertain significance. Review status: criteria provided, multiple submitters, no conflicts (2 of 4 stars). 3 submissions from 3 submitters: Uncertain significance (3). Last evaluated 2026-02-09.

Conditions:
Hereditary breast ovarian cancer syndrome. Also called: Breast and ovarian cancer; Hereditary breast and/or ovarian cancer syndrome; BRCA1- and BRCA2-Associated Hereditary Breast and Ovarian Cancer; Hereditary breast and ovarian cancer syndrome; Hereditary breast and ovarian cancer syndrome (HBOC); Hereditary breast and ovarian cancer. Identifiers: Orphanet 145, MedGen C0677776, MeSH D061325, MONDO:0003582. Disease mechanism: loss of function.
Breast-ovarian cancer, familial, susceptibility to, 1 (BROVCA1). Also called: BRCA1 Hereditary Breast and Ovarian Cancer; OVARIAN CANCER, SUSCEPTIBILITY TO. Identifiers: Orphanet 145, MedGen C2676676, MONDO:0011450, OMIM 604370. Disease mechanism: loss of function.
Hereditary cancer-predisposing syndrome. Also called: Tumor predisposition; Hereditary Cancer Syndrome; Hereditary neoplastic syndrome; Neoplastic Syndromes, Hereditary. Identifiers: Orphanet 140162, MedGen C0027672, MeSH D009386, MONDO:0015356.

Allele frequency attached by ClinVar (database versions not stated): TOPMed below 0.00001.

Submissions (3):

Ambry Genetics
Classification: Uncertain significance for Hereditary cancer-predisposing syndrome. Last evaluated: 2026-02-09. Review status: criteria provided, single submitter. Criteria: Ambry Variant Classification Scheme 2023. Collection method: clinical testing. Allele origin: germline.
Comment: The c.593+4A>C intronic variant results from an A to C substitution 4 nucleotides after coding exon 7 in the BRCA1 gene. This nucleotide position is highly conserved in available vertebrate species. In silico splice site analysis predicts that this alteration may weaken the native splice donor site. Based on the available evidence, the clinical significance of this variant remains unclear.

Molecular Pathology, Peter Maccallum Cancer Centre
Classification: Uncertain significance for Breast-ovarian cancer, familial, susceptibility to, 1. Last evaluated: 2024-11-15. Review status: criteria provided, single submitter. Criteria: ACMG Guidelines, 2015. Collection method: clinical testing. Allele origin: germline. Inheritance: Autosomal dominant inheritance.

Labcorp Genetics (formerly Invitae), Labcorp
Classification: Uncertain significance for Hereditary breast ovarian cancer syndrome. Last evaluated: 2023-11-17. Review status: criteria provided, single submitter. Criteria: Invitae Variant Classification Sherloc (09022015). Collection method: clinical testing. Allele origin: germline.
Comment: This sequence change falls in intron 8 of the BRCA1 gene. It does not directly change the encoded amino acid sequence of the BRCA1 protein. It affects a nucleotide within the consensus splice site. This variant is not present in population databases (gnomAD no frequency). This variant has not been reported in the literature in individuals affected with BRCA1-related conditions. ClinVar contains an entry for this variant (Variation ID: 482940). Variants that disrupt the consensus splice site are a relatively common cause of aberrant splicing (PMID: 17576681, 9536098). Studies have shown that this variant is associated with inconclusive levels of altered splicing (Invitae). In summary, the available evidence is currently insufficient to determine the role of this variant in disease. Therefore, it has been classified as a Variant of Uncertain Significance.

Literature cited by the submitters: PubMed 17576681 (cited by Labcorp Genetics (formerly Invitae), Labcorp); PubMed 9536098 (cited by Labcorp Genetics (formerly Invitae), Labcorp).

NM_007294.4(BRCA1):c.593+4A>C

Gene: BRCA1 (BRCA1 DNA repair associated; minus strand). Cytogenetic location: 17q21.31.
Variant type: single nucleotide variant.
Coding change: c.593+4A>C on transcript NM_007294.4 (MANE Select); 4 bases into the intron after coding-DNA position 593, A replaced by C.
Molecular consequence: intron variant.
Genome position (GRCh38, 1-based): chr17:43,097,240, T>G on the plus strand (A>C on the coding strand, the complement: BRCA1 is on the minus strand). VCF-style: chr17-43097240-T-G. GRCh37 (hg19) VCF-style: chr17-41249257-T-G.
Other names: c.452+4A>C (NM_001408458.1, NM_001408469.1, NM_001408453.1 and 43 more transcripts); c.-218-2380A>C (NM_001407967.1, NM_001407966.1); c.212+4A>C (NM_001407959.1, NM_001408510.1, NM_001407963.1 and 1 more transcripts); c.404-2380A>C (NM_001407931.1, NM_001407932.1, NM_001408503.1 and 5 more transcripts); c.449+4A>C (NM_001407747.1, NM_001408470.1, NM_001407848.1 and 26 more transcripts); c.209+4A>C (NM_001407962.1); c.167-2380A>C (NM_001408512.1, NM_001407965.1); c.383+4A>C (NM_001407885.1, NM_001407886.1, NM_001407881.1 and 27 more transcripts); and 17 more.
Identifiers: ClinVar variation 482940 (VCV000482940.11), dbSNP rs80358154, ClinGen allele CA658656647.